The following is an entry in ClinVar:

ClinVar aggregate classification (germline): Uncertain significance (1 of 4 stars; one submission).

Conditions:
Deficiency of alpha-mannosidase (MANSA). Also called: Alpha-Mannosidosis; LYSOSOMAL ALPHA-D-MANNOSIDASE DEFICIENCY; Mannosidosis, alpha-, types I and II. Identifiers: Orphanet 61, MedGen C0024748, MONDO:0009561, OMIM 248500.

Allele frequency attached by ClinVar (database versions not stated): ExAC 0.00010; TOPMed 0.00011; 1000 Genomes Project 30x 0.00016; 1000 Genomes Project 0.00020.

Submission:

Labcorp Genetics (formerly Invitae), Labcorp
Classification: Uncertain significance for Deficiency of alpha-mannosidase. Last evaluated: 2025-01-13. Review status: criteria provided, single submitter. Criteria: Invitae Variant Classification Sherloc (09022015). Collection method: clinical testing. Allele origin: germline.
Comment: This sequence change replaces arginine, which is basic and polar, with tryptophan, which is neutral and slightly polar, at codon 305 of the MAN2B1 protein (p.Arg305Trp). This variant is present in population databases (rs202100368, gnomAD 0.02%). This variant has not been reported in the literature in individuals affected with MAN2B1-related conditions. ClinVar contains an entry for this variant (Variation ID: 1417303). Invitae Evidence Modeling of protein sequence and biophysical properties (such as structural, functional, and spatial information, amino acid conservation, physicochemical variation, residue mobility, and thermodynamic stability) indicates that this missense variant is not expected to disrupt MAN2B1 protein function with a negative predictive value of 95%. In summary, the available evidence is currently insufficient to determine the role of this variant in disease. Therefore, it has been classified as a Variant of Uncertain Significance.

NM_000528.4(MAN2B1):c.913C>T (p.Arg305Trp)

Gene: MAN2B1 (mannosidase alpha class 2B member 1; minus strand). Cytogenetic location: 19p13.13.
Variant type: single nucleotide variant.
Coding change: c.913C>T on transcript NM_000528.4 (MANE Select); coding-DNA position 913, C replaced by T.
Protein change: p.Arg305Trp; replaces arginine 305 with tryptophan.
Molecular consequence: missense variant.
Genome position (GRCh38, 1-based): chr19:12,661,373, G>A on the plus strand (C>T on the coding strand, the complement: MAN2B1 is on the minus strand). VCF-style: chr19-12661373-G-A. GRCh37 (hg19) VCF-style: chr19-12772187-G-A.
Other names: c.913C>T, p.Arg305Trp (NM_001173498.2); short protein forms R305W.
Identifiers: ClinVar variation 1417303 (VCV001417303.4), dbSNP rs202100368, ClinGen allele CA9226660.
Genomic context (GRCh38, chr19:12,661,373, plus strand): 5'-CATTCTCATATTGGAAGTCCGAGCCCATGGTCATCACAGTGTGGTTGGTGCGGTAATACC[G>A]GCCCTGCAGGCAAGAGGGGAGTCCTGAAGCCAGAGGATCCTGGGCCATCCCTGTGTATAG-3'
Protein context (NP_000519.2, residues 295-315): YFLNVATAQG[Arg305Trp]YYRTNHTVMT